The following is an entry in ClinVar:

NM_015178.3(RHOBTB2):c.280C>T (p.Arg94Cys)

Gene: RHOBTB2 (Rho related BTB domain containing 2; plus strand). Cytogenetic location: 8p21.3.
Variant type: single nucleotide variant.
Coding change: c.280C>T on transcript NM_015178.3 (MANE Select); coding-DNA position 280, C replaced by T.
Protein change: p.Arg94Cys; replaces arginine 94 with cysteine.
Molecular consequence: missense variant.
Genome position (GRCh38, 1-based): chr8:23,005,459, C>T. VCF-style: chr8-23005459-C-T. GRCh37 (hg19) VCF-style: chr8-22862972-C-T.
Other names: p.Arg94Cys; c.280C>T (NM_015178.2); c.346C>T, p.Arg116Cys (NM_001160036.2); c.301C>T, p.Arg101Cys (NM_001160037.2); c.280C>T, p.Arg94Cys (NM_001374791.1); short protein forms R101C, R116C, R94C.
Identifiers: ClinVar variation 2443571 (VCV002443571.5), dbSNP rs2486999040, ClinGen allele CA370560612.

ClinVar aggregate classification (germline): Pathogenic/Likely pathogenic. Review status: criteria provided, multiple submitters, no conflicts (2 of 4 stars). 3 submissions from 3 submitters: Pathogenic (1); Likely pathogenic (2). Last evaluated 2026-07-24.

Conditions:
Developmental and epileptic encephalopathy, 64. Also called: EPILEPTIC ENCEPHALOPATHY, EARLY INFANTILE, 64. Identifiers: MedGen C4693899, MONDO:0033373, OMIM 618004.

Submissions (3):

GeneDx
Classification: Pathogenic. Last evaluated: 2026-07-24. Review status: criteria provided, single submitter. Criteria: GeneDx Variant Classification Process June 2021. Collection method: clinical testing. Allele origin: germline.
Comment: Not observed at significant frequency in large population cohorts (gnomAD); In silico analysis supports that this missense variant has a deleterious effect on protein structure/function; Also known as p.(Arg94Cys); This variant is associated with the following publications: (PMID: 37489029, 39831600, 39849855, 42470352, Niu2021[article], 37165955)

Labcorp Genetics (formerly Invitae), Labcorp
Classification: Likely pathogenic. Last evaluated: 2026-01-12. Review status: criteria provided, single submitter. Criteria: Invitae Variant Classification Sherloc (09022015). Collection method: clinical testing. Allele origin: germline.
Comment: This sequence change replaces arginine, which is basic and polar, with cysteine, which is neutral and slightly polar, at codon 116 of the RHOBTB2 protein (p.Arg116Cys). This variant is not present in population databases (gnomAD no frequency). This missense change has been observed in individual(s) with clinical features of RHOBTB2-related conditions (PMID: 37165955, 37489029). In at least one individual the variant was observed to be de novo. ClinVar contains an entry for this variant (Variation ID: 2443571). Invitae Evidence Modeling of protein sequence and biophysical properties (such as structural, functional, and spatial information, amino acid conservation, physicochemical variation, residue mobility, and thermodynamic stability) has been performed for this missense variant. However, the output from this modeling did not meet the statistical confidence thresholds required to predict the impact of this variant on RHOBTB2 protein function. Experimental studies have shown that this missense change does not substantially affect RHOBTB2 function (PMID: 37165955). In summary, the currently available evidence indicates that the variant is pathogenic, but additional data are needed to prove that conclusively. Therefore, this variant has been classified as Likely Pathogenic.

Undiagnosed Diseases Network, NIH
Classification: Likely pathogenic for Developmental and epileptic encephalopathy, 64. Last evaluated: 2024-08-23. Review status: criteria provided, single submitter. Criteria: ACMG Guidelines, 2015. Collection method: clinical testing. Allele origin: de novo. Affected: yes. Observed: 1 heterozygote. Study: Undiagnosed Diseases Network (NIH), UDN.
Comment: This variant (described as p.Arg116Cys in the literature) has been previously reported in multiple individuals with RHOBTB2-related disorders (PMID: 37165955, 37489029; and Niu (2021) Acta Epileptol 3 20). It is located in the GTPase domain of the RHOBTB2 gene. This variant is absent from gnomAD.

Literature cited by the submitters: PubMed 37165955 (cited by Labcorp Genetics (formerly Invitae), Labcorp); PubMed 37489029 (cited by Labcorp Genetics (formerly Invitae), Labcorp).